The following is an entry in ClinVar:

ClinVar aggregate classification (germline): Pathogenic/Likely pathogenic. Review status: criteria provided, multiple submitters, no conflicts (2 of 4 stars). 3 submissions from 3 submitters: Pathogenic (1); Likely pathogenic (2). Last evaluated 2023-09-21.

Conditions:
Ethylmalonic encephalopathy (EE). Also called: Syndrome of encephalopathy, petechiae, and ethylmalonic aciduria; EPEMA syndrome; Encephalopathy, petechiae, and ethylmalonic aciduria. Identifiers: Orphanet 51188, MedGen C1865349, MONDO:0011229, OMIM 602473. Disease mechanism: loss of function.

Submissions (3):

Labcorp Genetics (formerly Invitae), Labcorp
Classification: Pathogenic for Ethylmalonic encephalopathy. Last evaluated: 2023-09-21. Review status: criteria provided, single submitter. Criteria: Invitae Variant Classification Sherloc (09022015). Collection method: clinical testing. Allele origin: germline.
Comment: For these reasons, this variant has been classified as Pathogenic. This variant is not present in population databases (gnomAD no frequency). This variant has not been reported in the literature in individuals affected with ETHE1-related conditions. ClinVar contains an entry for this variant (Variation ID: 1072741). This sequence change creates a premature translational stop signal (p.Gln15*) in the ETHE1 gene. It is expected to result in an absent or disrupted protein product. Loss-of-function variants in ETHE1 are known to be pathogenic (PMID: 14732903, 19136963).

Baylor Genetics
Classification: Likely pathogenic for Ethylmalonic encephalopathy. Last evaluated: 2023-06-20. Review status: criteria provided, single submitter. Criteria: ACMG Guidelines, 2015. Collection method: clinical testing. Allele origin: unknown.

Fulgent Genetics
Classification: Likely pathogenic for Ethylmalonic encephalopathy. Last evaluated: 2021-08-19. Review status: criteria provided, single submitter. Criteria: ACMG Guidelines, 2015. Collection method: clinical testing. Allele origin: unknown.

Literature cited by the submitters: PubMed 14732903 (cited by Labcorp Genetics (formerly Invitae), Labcorp); PubMed 19136963 (cited by Labcorp Genetics (formerly Invitae), Labcorp).

NM_014297.5(ETHE1):c.43C>T (p.Gln15Ter)

Gene: ETHE1 (ETHE1 persulfide dioxygenase; minus strand). Cytogenetic location: 19q13.31.
Variant type: single nucleotide variant.
Coding change: c.43C>T on transcript NM_014297.5 (MANE Select); coding-DNA position 43, C replaced by T.
Protein change: p.Gln15Ter; replaces glutamine 15 with a stop codon.
Molecular consequence: nonsense. On other transcripts: 5 prime UTR variant (1).
Genome position (GRCh38, 1-based): chr19:43,527,135, G>A on the plus strand (C>T on the coding strand, the complement: ETHE1 is on the minus strand). VCF-style: chr19-43527135-G-A. GRCh37 (hg19) VCF-style: chr19-44031287-G-A.
Other names: c.43C>T, p.Gln15Ter (NM_001320867.2, NM_001320869.2); c.-178C>T (NM_001320868.2); short protein forms Q15*.
Identifiers: ClinVar variation 1072741 (VCV001072741.9), dbSNP rs2146021370, ClinGen allele CA406182241.